The following is an entry in ClinVar:

ClinVar aggregate classification (germline): Pathogenic (1 of 4 stars; one submission).

Conditions:
Inborn genetic diseases. Identifiers: MedGen C0950123, MeSH D030342.

Submission:

Ambry Genetics
Classification: Pathogenic for Inborn genetic diseases. Last evaluated: 2021-10-28. Review status: criteria provided, single submitter. Criteria: Ambry Variant Classification Scheme 2023. Collection method: clinical testing. Allele origin: germline.
Comment: The c.3937dupG (p.A1313Gfs*35) alteration, located in exon 3 (coding exon 1) of the RAI1 gene, consists of a duplication of G at position 3937, causing a translational frameshift with a predicted alternate stop codon after 35 amino acids. This alteration is expected to result in loss of function by premature protein truncation or nonsense-mediated mRNA decay. This variant was not reported in population-based cohorts in the Genome Aggregation Database (gnomAD). Based on the available evidence, this alteration is classified as pathogenic.

NM_030665.4(RAI1):c.3937dup (p.Ala1313fs)

Gene: RAI1 (retinoic acid induced 1; plus strand). Cytogenetic location: 17p11.2.
Variant type: Duplication.
Coding change: c.3937dup on transcript NM_030665.4 (MANE Select); coding-DNA position 3937, one base duplicated (G; older notation c.3937dupG).
Protein change: p.Ala1313fs; shifts the reading frame from alanine 1313.
Molecular consequence: frameshift variant.
Genome position (GRCh38, 1-based): chr17:17,796,885, G duplicated; the last of 5 consecutive G bases (chr17:17,796,881-17,796,885); duplicating any one gives the same sequence. VCF-style (leftmost placement, unchanged base first): chr17-17796880-A-AG. GRCh37 (hg19) VCF-style: chr17-17700194-A-AG.
Other names: short protein forms A1313fs.
Identifiers: ClinVar variation 2252832 (VCV002252832.2), dbSNP rs2543616450, ClinGen allele CA2580093168.